The following is an entry in ClinVar:

ClinVar aggregate classification (germline): Uncertain significance. Review status: criteria provided, multiple submitters, no conflicts (2 of 4 stars). 4 submissions from 4 submitters: Uncertain significance (4). Last evaluated 2026-04-30.

Conditions:
PLEC-related disorder. Also called: PLEC-related condition; PLEC-related disorders.
Autosomal recessive limb-girdle muscular dystrophy type 2Q (LGMDR17). Also called: MUSCULAR DYSTROPHY, LIMB-GIRDLE, AUTOSOMAL RECESSIVE 17. Identifiers: Orphanet 254361, MedGen C3150989, MONDO:0013390, OMIM 613723.
Epidermolysis bullosa simplex, Ogna type (EBS5A). Also called: Pidermolysis bullosa simplex 5A, Ogna type; EPIDERMOLYSIS BULLOSA SIMPLEX 5A, OGNA TYPE. Identifiers: Orphanet 79401, MedGen C0432317, MONDO:0007555, OMIM 131950.
Epidermolysis bullosa simplex with nail dystrophy (EBS5D). Identifiers: MedGen C4225309, MONDO:0014661, OMIM 616487.
Epidermolysis bullosa simplex 5C, with pyloric atresia (EBS5C). Also called: PLEC1-Related Epidermolysis Bullosa with Pyloric Atresia; PLEC-Related Epidermolysis Bullosa with Pyloric Atresia; Epidermolysis bullosa simplex with pyloric atresia. Identifiers: Orphanet 158684, MedGen C2677349, MONDO:0012807, OMIM 612138.
Epidermolysis bullosa simplex 5B, with muscular dystrophy (EBS5B). Also called: EPIDERMOLYSIS BULLOSA SIMPLEX AND LIMB-GIRDLE MUSCULAR DYSTROPHY; Epidermolysis bullosa simplex with muscular dystrophy. Identifiers: Orphanet 257, MedGen C2931072, MONDO:0009181, OMIM 226670.

Allele frequency attached by ClinVar (database versions not stated): TOPMed 0.00003; ExAC 0.00004; gnomAD 0.00004 and 0.00006; gnomAD exomes 0.00004; ESP Exome Variant Server 0.00008.
gnomAD v4.1: 53 of 1,606,146 alleles (0.0033%); highest among the groups gnomAD compares: East Asian, 0.029%; no homozygotes.

Submissions (4):

PreventionGenetics, part of Exact Sciences
Classification: Uncertain significance for PLEC-related condition. Last evaluated: 2026-04-30. Review status: criteria provided, single submitter. Criteria: ACMG Guidelines, 2015. Collection method: clinical testing. Allele origin: germline.
Comment: The PLEC c.12812G>A variant is predicted to result in the amino acid substitution p.Arg4271His. This variant, also known as c.12731G>A (p.Arg4244His) on an alternate transcript (NM_201379) was identified in an individual with limb-girdle muscular dystrophy (Liang et al. 2020. PubMed ID: 32576226). This variant is reported in 0.0051% of alleles in individuals of East Asian descent in gnomAD. At this time, the clinical significance of this variant is uncertain due to the absence of conclusive functional and genetic evidence.

Labcorp Genetics (formerly Invitae), Labcorp
Classification: Uncertain significance for Autosomal recessive limb-girdle muscular dystrophy type 2Q; Epidermolysis bullosa simplex, Ogna type; Epidermolysis bullosa simplex with nail dystrophy; Epidermolysis bullosa simplex 5C, with pyloric atresia; Epidermolysis bullosa simplex 5B, with muscular dystrophy. Last evaluated: 2025-06-04. Review status: criteria provided, single submitter. Criteria: Invitae Variant Classification Sherloc (09022015). Collection method: clinical testing. Allele origin: germline.
Comment: This sequence change replaces arginine, which is basic and polar, with histidine, which is basic and polar, at codon 4271 of the PLEC protein (p.Arg4271His). This variant is present in population databases (rs370769102, gnomAD 0.007%). This missense change has been observed in individual(s) with limb-girdle muscular dystrophy (PMID: 32576226). This variant is also known as c.12731G>A, p.Arg4244His. ClinVar contains an entry for this variant (Variation ID: 430128). Invitae Evidence Modeling of protein sequence and biophysical properties (such as structural, functional, and spatial information, amino acid conservation, physicochemical variation, residue mobility, and thermodynamic stability) indicates that this missense variant is expected to disrupt PLEC protein function with a positive predictive value of 80%. In summary, the available evidence is currently insufficient to determine the role of this variant in disease. Therefore, it has been classified as a Variant of Uncertain Significance.

Mayo Clinic Laboratories, Mayo Clinic
Classification: Uncertain significance. Last evaluated: 2023-06-07. Review status: criteria provided, single submitter. Criteria: ACMG Guidelines, 2015. Collection method: clinical testing. Allele origin: germline. Observed: 1 variant allele.

GeneDx
Classification: Uncertain significance. Last evaluated: 2017-05-12. Review status: criteria provided, single submitter. Criteria: GeneDx Variant Classification (06012015). Collection method: clinical testing. Allele origin: germline. Affected: yes.
Comment: The R4271H variant in the PLEC gene has not been reported previously as a pathogenic variant, nor as a benign variant, to our knowledge. The R4271H variant is not observed at a significant frequency in large population cohorts (Lek et al., 2016; 1000 Genomes Consortium et al., 2015; Exome Variant Server). The R4271H variant is a conservative amino acid substitution, which occurs at a position that is conserved across species. In silico analysis is inconsistent in its predictions as to whether or not the variant is damaging to the protein structure/function. We interpret R4271H as a variant of uncertain significance.

Literature cited by the submitters: PubMed 32576226 (cited by Labcorp Genetics (formerly Invitae), Labcorp and Mayo Clinic Laboratories, Mayo Clinic).

NM_201384.3(PLEC):c.12731G>A (p.Arg4244His)

Gene: PLEC (plectin; minus strand). Cytogenetic location: 8q24.3.
Variant type: single nucleotide variant.
Coding change: c.12731G>A on transcript NM_201384.3 (MANE Select); coding-DNA position 12731, G replaced by A.
Protein change: p.Arg4244His; replaces arginine 4244 with histidine.
Molecular consequence: missense variant.
Genome position (GRCh38, 1-based): chr8:143,917,090, C>T on the plus strand (G>A on the coding strand, the complement: PLEC is on the minus strand). VCF-style: chr8-143917090-C-T. GRCh37 (hg19) VCF-style: chr8-144991258-C-T.
Other names: p.Arg4271His; c.12812G>A, p.Arg4271His (NM_000445.5); c.12689G>A, p.Arg4230His (NM_201378.4); c.12665G>A, p.Arg4222His (NM_201379.3); c.13142G>A, p.Arg4381His (NM_201380.4); c.12635G>A, p.Arg4212His (NM_201381.3); c.12731G>A, p.Arg4244His (NM_201382.4); c.12743G>A, p.Arg4248His (NM_201383.3); and 1 more; short protein forms R4212H, R4222H, R4230H, R4244H, R4248H, R4271H, R4381H.
Identifiers: ClinVar variation 430128 (VCV000430128.5), dbSNP rs370769102, ClinGen allele CA4923996.